The following is an entry in ClinVar:

NM_002691.4(POLD1):c.2712C>A (p.Ala904=)

Gene: POLD1 (DNA polymerase delta 1, catalytic subunit; plus strand). Cytogenetic location: 19q13.33.
Variant type: single nucleotide variant.
Coding change: c.2712C>A on transcript NM_002691.4 (MANE Select); coding-DNA position 2712, C replaced by A.
Protein change: p.Ala904=; no amino-acid change (alanine 904 retained).
Molecular consequence: synonymous variant. On other transcripts: non-coding transcript variant (1).
Genome position (GRCh38, 1-based): chr19:50,415,585, C>A. VCF-style: chr19-50415585-C-A. GRCh37 (hg19) VCF-style: chr19-50918842-C-A.
Other names: c.2712C>A, p.Ala904= (NM_001256849.1); c.2790C>A, p.Ala930= (NM_001308632.1).
Identifiers: ClinVar variation 484413 (VCV000484413.14), dbSNP rs770882217, ClinGen allele CA9596617.

ClinVar aggregate classification (germline): Likely benign. Review status: criteria provided, multiple submitters, no conflicts (2 of 4 stars). 3 submissions from 3 submitters: Likely benign (3). Last evaluated 2025-10-03.

Conditions:
Hereditary cancer-predisposing syndrome. Also called: Tumor predisposition; Hereditary Cancer Syndrome; Hereditary neoplastic syndrome; Neoplastic Syndromes, Hereditary. Identifiers: Orphanet 140162, MedGen C0027672, MeSH D009386, MONDO:0015356.
POLD1-related polyposis and colorectal cancer syndrome (CRCS10). Also called: Colorectal cancer 10; COLORECTAL CANCER, SUSCEPTIBILITY TO, ON CHROMOSOME 19q; Colorectal cancer, susceptibility to, 10. Identifiers: Orphanet 220460, MedGen C2675481, MONDO:0012953, OMIM 612591.

gnomAD v4.1: 4 of 1,610,940 alleles (0.00025%); highest among the groups gnomAD compares: Non-Finnish European, 0.00034%; no homozygotes.

Submissions (3):

Labcorp Genetics (formerly Invitae), Labcorp
Classification: Likely benign for POLD1-related polyposis and colorectal cancer syndrome. Last evaluated: 2025-10-03. Review status: criteria provided, single submitter. Criteria: Invitae Variant Classification Sherloc (09022015). Collection method: clinical testing. Allele origin: germline.

GeneDx
Classification: Likely benign. Last evaluated: 2018-01-11. Review status: criteria provided, single submitter. Criteria: GeneDx Variant Classification (06012015). Collection method: clinical testing. Allele origin: germline. Affected: yes.
Comment: This variant is considered likely benign or benign based on one or more of the following criteria: it is a conservative change, it occurs at a poorly conserved position in the protein, it is predicted to be benign by multiple in silico algorithms, and/or has population frequency not consistent with disease.

Ambry Genetics
Classification: Likely benign for Hereditary cancer-predisposing syndrome. Last evaluated: 2016-12-20. Review status: criteria provided, single submitter. Criteria: Ambry Variant Classification Scheme 2023. Collection method: clinical testing. Allele origin: germline.